The following is an entry in ClinVar:

NM_001013838.3(CARMIL2):c.800A>T (p.Gln267Leu)

Gene: CARMIL2 (capping protein regulator and myosin 1 linker 2; plus strand). Cytogenetic location: 16q22.1.
Variant type: single nucleotide variant.
Coding change: c.800A>T on transcript NM_001013838.3 (MANE Select); coding-DNA position 800, A replaced by T.
Protein change: p.Gln267Leu; replaces glutamine 267 with leucine.
Molecular consequence: missense variant.
Genome position (GRCh38, 1-based): chr16:67,647,531, A>T. VCF-style: chr16-67647531-A-T. GRCh37 (hg19) VCF-style: chr16-67681434-A-T.
Other names: c.800A>T, p.Gln267Leu (NM_001317026.3); short protein forms Q267L.
Identifiers: ClinVar variation 1970329 (VCV001970329.5), dbSNP rs1323498962, ClinGen allele CA396332921.

ClinVar aggregate classification (germline): Uncertain significance (1 of 4 stars; one submission).

Allele frequency attached by ClinVar (database versions not stated): gnomAD 0.00001; TOPMed 0.00001.

Submission:

Labcorp Genetics (formerly Invitae), Labcorp
Classification: Uncertain significance. Last evaluated: 2022-10-01. Review status: criteria provided, single submitter. Criteria: Invitae Variant Classification Sherloc (09022015). Collection method: clinical testing. Allele origin: germline.
Comment: In summary, the available evidence is currently insufficient to determine the role of this variant in disease. Therefore, it has been classified as a Variant of Uncertain Significance. Advanced modeling of protein sequence and biophysical properties (such as structural, functional, and spatial information, amino acid conservation, physicochemical variation, residue mobility, and thermodynamic stability) performed at Invitae indicates that this missense variant is not expected to disrupt CARMIL2 protein function. This variant has not been reported in the literature in individuals affected with CARMIL2-related conditions. This variant is not present in population databases (gnomAD no frequency). This sequence change replaces glutamine, which is neutral and polar, with leucine, which is neutral and non-polar, at codon 267 of the CARMIL2 protein (p.Gln267Leu).